The following is an entry in ClinVar:

NM_003072.5(SMARCA4):c.696TGGCCC[2] (p.229GP[7])

Gene: SMARCA4 (SWI/SNF related BAF chromatin remodeling complex subunit ATPase 4; plus strand). Cytogenetic location: 19p13.2.
Variant type: Microsatellite.
Coding change: c.696TGGCCC[2] on transcript NM_003072.5 (MANE Select); two copies in a row of the 6-base unit TGGCCC starting at c.696; the reference has three copies in a row; one copy, 6 bases deleted.
Protein change: p.229GP[7].
Molecular consequence: inframe deletion. On other transcripts: non-coding transcript variant (1).
Genome position (GRCh38, 1-based): chr19:10,986,541-10,986,546, TGGCCC deleted; deleting any 6 consecutive bases within chr19:10,986,524-10,986,546 gives the same sequence; the position shown is the placement nearest the transcript's 3' end. VCF-style (leftmost placement, unchanged base first): chr19-10986523-CGGCCCT-C. GRCh37 (hg19) VCF-style: chr19-11097199-CGGCCCT-C.
Other names: c.708_713del (NM_001128849.1); c.696TGGCCC[2], p.229GP[7] (NM_001128844.3, NM_001128845.2, NM_001128846.2 and 5 more transcripts); c.708_713del6 (NM_001128849.1).
Identifiers: ClinVar variation 480573 (VCV000480573.26), dbSNP rs372601826, ClinGen allele CA632115177.

ClinVar aggregate classification (germline): Conflicting classifications of pathogenicity. Review status: criteria provided, conflicting classifications (1 of 4 stars). 4 submissions from 4 submitters: Uncertain significance (3); Likely benign (1). Last evaluated 2026-08-27.

Conditions:
SMARCA4-related disorder. Also called: SMARCA4-related condition.
Hereditary cancer-predisposing syndrome. Also called: Neoplastic Syndromes, Hereditary; Hereditary Cancer Syndrome; Tumor predisposition; Hereditary neoplastic syndrome. Identifiers: Orphanet 140162, MedGen C0027672, MeSH D009386, MONDO:0015356.
Rhabdoid tumor predisposition syndrome 2 (RTPS2). Identifiers: Orphanet 231108, Orphanet 69077, MedGen C2750074, MONDO:0013224, OMIM 613325.

Submissions (4):

PreventionGenetics, part of Exact Sciences
Classification: Uncertain significance for SMARCA4-related condition. Last evaluated: 2026-08-27. Review status: criteria provided, single submitter. Criteria: ACMG Guidelines, 2015. Collection method: clinical testing. Allele origin: germline.
Comment: The SMARCA4 c.708_713del6 variant is predicted to result in an in-frame deletion (p.Gly243_Pro244del). To our knowledge, this variant has not been reported in the literature. This variant is reported in 0.0089% of alleles in individuals of South Asian descent in gnomAD and has conflicting interpretations in ClinVar ranging from likely benign to uncertain (Variation ID: 480573). At this time, the clinical significance of this variant is uncertain due to the absence of conclusive functional and genetic evidence.

Labcorp Genetics (formerly Invitae), Labcorp
Classification: Uncertain significance for Rhabdoid tumor predisposition syndrome 2. Last evaluated: 2025-06-20. Review status: criteria provided, single submitter. Criteria: Invitae Variant Classification Sherloc (09022015). Collection method: clinical testing. Allele origin: germline.
Comment: This variant, c.708_713del, results in the deletion of 2 amino acid(s) of the SMARCA4 protein (p.Gly243_Pro244del), but otherwise preserves the integrity of the reading frame. This variant is present in population databases (no rsID available, gnomAD 0.009%). This variant has not been reported in the literature in individuals affected with SMARCA4-related conditions. ClinVar contains an entry for this variant (Variation ID: 480573). Experimental studies and prediction algorithms are not available or were not evaluated, and the functional significance of this variant is currently unknown. In summary, the available evidence is currently insufficient to determine the role of this variant in disease. Therefore, it has been classified as a Variant of Uncertain Significance.

Ambry Genetics
Classification: Likely benign for Hereditary cancer-predisposing syndrome. Last evaluated: 2021-03-16. Review status: criteria provided, single submitter. Criteria: Ambry Variant Classification Scheme 2023. Collection method: clinical testing. Allele origin: germline.

GeneDx
Classification: Uncertain significance. Last evaluated: 2019-02-08. Review status: criteria provided, single submitter. Criteria: GeneDx Variant Classification Process June 2021. Collection method: clinical testing. Allele origin: germline. Affected: yes.
Comment: In silico analysis, which includes protein predictors and evolutionary conservation, supports that this variant does not alter protein structure/function; Not observed in large population cohorts (Lek et al., 2016); but observed in multiple unaffected individuals undergoing testing at GeneDx; Has not been previously published as pathogenic or benign to our knowledge